The following is an entry in ClinVar:

NM_001378454.1(ALMS1):c.8834A>T (p.Asn2945Ile)

Gene: ALMS1 (ALMS1 centrosome and basal body associated protein; plus strand). Cytogenetic location: 2p13.1.
Variant type: single nucleotide variant.
Coding change: c.8834A>T on transcript NM_001378454.1 (MANE Select); coding-DNA position 8834, A replaced by T.
Protein change: p.Asn2945Ile; replaces asparagine 2945 with isoleucine.
Molecular consequence: missense variant.
Genome position (GRCh38, 1-based): chr2:73,490,793, A>T. VCF-style: chr2-73490793-A-T. GRCh37 (hg19) VCF-style: chr2-73717920-A-T.
Other names: c.8837A>T, p.Asn2946Ile (NM_015120.4); short protein forms N2946I, N2945I.
Identifiers: ClinVar variation 4730092 (VCV004730092.1).
Genomic context (GRCh38, chr2:73,490,793, plus strand): 5'-AACAACGAGAACTCTTTGAACAGTGCAAAGCCCCATATGTAGATCATCAAATGAGAGAAA[A>T]CCATTCTCCCCTTCCTCAAGGTCAGGATTCTATAGCTTCAGACCTTCCGTCTCCCATTTC-3'
Protein context (NP_001365383.1, residues 2935-2955): APYVDHQMRE[Asn2945Ile]HSPLPQGQDS

ClinVar aggregate classification (germline): Uncertain significance (1 of 4 stars; one submission).

Conditions:
Alstrom syndrome (ALMS). Identifiers: Orphanet 64, MedGen C0268425, MONDO:0008763, OMIM 203800.

Submission:

Labcorp Genetics (formerly Invitae), Labcorp
Classification: Uncertain significance for Alstrom syndrome. Last evaluated: 2025-11-06. Review status: criteria provided, single submitter. Criteria: Invitae Variant Classification Sherloc (09022015). Collection method: clinical testing. Allele origin: germline.
Comment: This sequence change replaces asparagine, which is neutral and polar, with isoleucine, which is neutral and non-polar, at codon 2946 of the ALMS1 protein (p.Asn2946Ile). This variant is not present in population databases (gnomAD no frequency). This variant has not been reported in the literature in individuals affected with ALMS1-related conditions. Experimental studies and prediction algorithms are not available or were not evaluated, and the functional significance of this variant is currently unknown. In summary, the available evidence is currently insufficient to determine the role of this variant in disease. Therefore, it has been classified as a Variant of Uncertain Significance.